The following is an entry in ClinVar:

NM_004380.3(CREBBP):c.4171T>C (p.Tyr1391His)

Gene: CREBBP (CREB binding protein; minus strand). Cytogenetic location: 16p13.3.
Variant type: single nucleotide variant.
Coding change: c.4171T>C on transcript NM_004380.3 (MANE Select); coding-DNA position 4171, T replaced by C.
Protein change: p.Tyr1391His; replaces tyrosine 1391 with histidine.
Molecular consequence: missense variant.
Genome position (GRCh38, 1-based): chr16:3,739,687, A>G on the plus strand (T>C on the coding strand, the complement: CREBBP is on the minus strand). VCF-style: chr16-3739687-A-G. GRCh37 (hg19) VCF-style: chr16-3789688-A-G.
Other names: c.4057T>C, p.Tyr1353His (NM_001079846.1); short protein forms Y1353H, Y1391H.
Identifiers: ClinVar variation 3393824 (VCV003393824.1).

ClinVar aggregate classification (germline): Uncertain significance (1 of 4 stars; one submission).

Submission:

GeneDx
Classification: Uncertain significance. Last evaluated: 2024-07-02. Review status: criteria provided, single submitter. Criteria: GeneDx Variant Classification Process June 2021. Collection method: clinical testing. Allele origin: germline. Affected: yes.
Comment: Not observed at significant frequency in large population cohorts (gnomAD); In silico analysis supports that this missense variant has a deleterious effect on protein structure/function; Has not been previously published as pathogenic or benign to our knowledge; This variant is associated with the following publications: (PMID: 12070251)